The following is an entry in ClinVar:

NM_144999.4(LRRC45):c.423G>A (p.Ala141=)

Gene: LRRC45 (leucine rich repeat containing 45; plus strand). Cytogenetic location: 17q25.3.
Variant type: single nucleotide variant.
Coding change: c.423G>A on transcript NM_144999.4 (MANE Select); coding-DNA position 423, G replaced by A.
Protein change: p.Ala141=; no amino-acid change (alanine 141 retained).
Molecular consequence: synonymous variant.
Genome position (GRCh38, 1-based): chr17:82,025,069, G>A. VCF-style: chr17-82025069-G-A. GRCh37 (hg19) VCF-style: chr17-79982945-G-A.
Identifiers: ClinVar variation 4983636 (VCV004983636.1).

ClinVar aggregate classification (germline): Likely benign (1 of 4 stars; one submission).

Conditions:
LRRC45-related disorder. Also called: LRRC45-related condition.

gnomAD v4.1: 8 of 1,609,616 alleles (0.0005%); highest among the groups gnomAD compares: African/African-American, 0.004%; no homozygotes.

Submission:

PreventionGenetics, part of Exact Sciences
Classification: Likely benign for LRRC45-related condition. Last evaluated: 2025-04-07. Review status: criteria provided, single submitter. Criteria: ACMG Guidelines, 2015. Collection method: clinical testing. Allele origin: germline.
Comment: This variant is classified as likely benign based on ACMG/AMP sequence variant interpretation guidelines (Richards et al. 2015 PMID: 25741868, with internal and published modifications).